The following is an entry in ClinVar:

NM_006941.4(SOX10):c.191A>T (p.Asp64Val)

Genes: POLR2F (RNA polymerase II, I and III subunit F; plus strand), SOX10 (SRY-box transcription factor 10; minus strand). Cytogenetic location: 22q13.1.
Variant type: single nucleotide variant.
Coding change: c.191A>T on transcript NM_006941.4 (MANE Select); coding-DNA position 191, A replaced by T.
Protein change: p.Asp64Val; replaces aspartic acid 64 with valine.
Molecular consequence: missense variant. On other transcripts: intron variant (3).
Genome position (GRCh38, 1-based): chr22:37,983,594, T>A on the plus strand (A>T on the coding strand, the complement: SOX10 is on the minus strand). VCF-style: chr22-37983594-T-A. GRCh37 (hg19) VCF-style: chr22-38379601-T-A.
Other names: c.*38+11284T>A (NM_001363825.1); c.294-2560T>A (NM_001301130.2); c.293+16424T>A (NM_001301131.2); short protein forms D64V.
Identifiers: ClinVar variation 229265 (VCV000229265.13), dbSNP rs372400283, ClinGen allele CA10228717.

ClinVar aggregate classification (germline): Uncertain significance. Review status: criteria provided, multiple submitters, no conflicts (2 of 4 stars). 4 submissions from 4 submitters: Uncertain significance (4). Last evaluated 2024-09-11.

Allele frequency attached by ClinVar (database versions not stated): TOPMed 0.00003.
gnomAD v4.1: 99 of 1,608,940 alleles (0.0062%); highest among the groups gnomAD compares: Middle Eastern, 0.017%; no homozygotes.

Submissions (4):

Labcorp Genetics (formerly Invitae), Labcorp
Classification: Uncertain significance. Last evaluated: 2024-09-11. Review status: criteria provided, single submitter. Criteria: Invitae Variant Classification Sherloc (09022015). Collection method: clinical testing. Allele origin: germline.
Comment: This sequence change replaces aspartic acid, which is acidic and polar, with valine, which is neutral and non-polar, at codon 64 of the SOX10 protein (p.Asp64Val). This variant is present in population databases (rs372400283, gnomAD 0.005%). This variant has not been reported in the literature in individuals affected with SOX10-related conditions. ClinVar contains an entry for this variant (Variation ID: 229265). Invitae Evidence Modeling of protein sequence and biophysical properties (such as structural, functional, and spatial information, amino acid conservation, physicochemical variation, residue mobility, and thermodynamic stability) indicates that this missense variant is not expected to disrupt SOX10 protein function with a negative predictive value of 80%. In summary, the available evidence is currently insufficient to determine the role of this variant in disease. Therefore, it has been classified as a Variant of Uncertain Significance.

Athena Diagnostics
Classification: Uncertain significance. Last evaluated: 2022-02-09. Review status: criteria provided, single submitter. Criteria: Athena Diagnostics Criteria. Collection method: clinical testing. Allele origin: unknown.

Mayo Clinic Laboratories, Mayo Clinic
Classification: Uncertain significance. Last evaluated: 2020-11-12. Review status: criteria provided, single submitter. Criteria: ACMG Guidelines, 2015. Collection method: clinical testing. Allele origin: germline. Observed: 1 variant allele.

Laboratory for Molecular Medicine, Mass General Brigham Personalized Medicine
Classification: Uncertain significance. Last evaluated: 2016-02-09. Review status: criteria provided, single submitter. Criteria: LMM Criteria. Collection method: clinical testing. Allele origin: germline. Observed: 1 variant allele.
Comment: The p.Asp64Val variant in SOX10 has not been previously reported in individuals with hearing loss, but has been identified in 1/53682 European chromosomes by th e Exome Aggregation Consortium (ExAC). Computat ional prediction tools and conservation analysis do not provide strong support f or or against an impact to the protein. In summary, the clinical significance of the p.Asp64Val variant is uncertain.

Literature cited by the submitters: PubMed 29419413 (cited by Athena Diagnostics).